The following is an entry in ClinVar:

NM_006231.4(POLE):c.2561+14G>A

Gene: POLE (DNA polymerase epsilon, catalytic subunit; minus strand). Cytogenetic location: 12q24.33.
Variant type: single nucleotide variant.
Coding change: c.2561+14G>A on transcript NM_006231.4 (MANE Select); 14 bases into the intron after coding-DNA position 2561, G replaced by A.
Molecular consequence: intron variant.
Genome position (GRCh38, 1-based): chr12:132,664,356, C>T on the plus strand (G>A on the coding strand, the complement: POLE is on the minus strand). VCF-style: chr12-132664356-C-T. GRCh37 (hg19) VCF-style: chr12-133240942-C-T.
Identifiers: ClinVar variation 513259 (VCV000513259.9), dbSNP rs912028278, ClinGen allele CA246318793.

ClinVar aggregate classification (germline): Likely benign. Review status: criteria provided, multiple submitters, no conflicts (2 of 4 stars). 3 submissions from 3 submitters: Likely benign (3). Last evaluated 2025-12-22.

Allele frequency attached by ClinVar (database versions not stated): gnomAD exomes below 0.00001 and 0.00001; TOPMed 0.00001.
gnomAD v4.1: 11 of 1,611,806 alleles (0.00068%); highest among the groups gnomAD compares: East Asian, 0.0067%; no homozygotes.

Submissions (3):

Labcorp Genetics (formerly Invitae), Labcorp
Classification: Likely benign. Last evaluated: 2025-12-22. Review status: criteria provided, single submitter. Criteria: Invitae Variant Classification Sherloc (09022015). Collection method: clinical testing. Allele origin: germline.

Blueprint Genetics
Classification: Likely benign. Last evaluated: 2023-12-28. Review status: criteria provided, single submitter. Criteria: ACMG Guidelines, 2015. Collection method: clinical testing. Allele origin: germline.

GeneDx
Classification: Likely benign. Last evaluated: 2017-11-08. Review status: criteria provided, single submitter. Criteria: GeneDx Variant Classification (06012015). Collection method: clinical testing. Allele origin: germline. Affected: yes.
Comment: This variant is considered likely benign or benign based on one or more of the following criteria: it is a conservative change, it occurs at a poorly conserved position in the protein, it is predicted to be benign by multiple in silico algorithms, and/or has population frequency not consistent with disease.